The following is an entry in ClinVar:

NM_001556.3(IKBKB):c.1553A>T (p.Glu518Val)

Gene: IKBKB (inhibitor of nuclear factor kappa B kinase subunit beta; plus strand). Cytogenetic location: 8p11.21.
Variant type: single nucleotide variant.
Coding change: c.1553A>T on transcript NM_001556.3 (MANE Select); coding-DNA position 1553, A replaced by T.
Protein change: p.Glu518Val; replaces glutamic acid 518 with valine.
Molecular consequence: missense variant. On other transcripts: non-coding transcript variant (2).
Genome position (GRCh38, 1-based): chr8:42,319,621, A>T. VCF-style: chr8-42319621-A-T. GRCh37 (hg19) VCF-style: chr8-42177139-A-T.
Other names: c.1361A>T, p.Glu454Val (NM_001190720.3); c.1376A>T, p.Glu459Val (NM_001242778.2); short protein forms E454V, E459V, E518V.
Identifiers: ClinVar variation 3620046 (VCV003620046.2).

ClinVar aggregate classification (germline): Uncertain significance (1 of 4 stars; one submission).

Conditions:
Severe combined immunodeficiency due to IKK2 deficiency. Also called: Immunodeficiency 15; IMMUNODEFICIENCY 15B. Identifiers: Orphanet 397787, MedGen C4747743, MONDO:0014267, OMIM 615592.

gnomAD v4.1: 2 of 1,595,964 alleles (0.00013%); no homozygotes.

Submission:

Labcorp Genetics (formerly Invitae), Labcorp
Classification: Uncertain significance for Severe combined immunodeficiency due to IKK2 deficiency. Last evaluated: 2024-07-29. Review status: criteria provided, single submitter. Criteria: Invitae Variant Classification Sherloc (09022015). Collection method: clinical testing. Allele origin: germline.
Comment: This sequence change replaces glutamic acid, which is acidic and polar, with valine, which is neutral and non-polar, at codon 518 of the IKBKB protein (p.Glu518Val). This variant is not present in population databases (gnomAD no frequency). This variant has not been reported in the literature in individuals affected with IKBKB-related conditions. Advanced modeling of protein sequence and biophysical properties (such as structural, functional, and spatial information, amino acid conservation, physicochemical variation, residue mobility, and thermodynamic stability) performed at Invitae indicates that this missense variant is not expected to disrupt IKBKB protein function with a negative predictive value of 95%. In summary, the available evidence is currently insufficient to determine the role of this variant in disease. Therefore, it has been classified as a Variant of Uncertain Significance.